The following is an entry in ClinVar:

NM_000785.4(CYP27B1):c.850G>A (p.Glu284Lys)

Gene: CYP27B1 (cytochrome P450 family 27 subfamily B member 1; minus strand). Cytogenetic location: 12q14.1.
Variant type: single nucleotide variant.
Coding change: c.850G>A on transcript NM_000785.4 (MANE Select); coding-DNA position 850, G replaced by A.
Protein change: p.Glu284Lys; replaces glutamic acid 284 with lysine.
Molecular consequence: missense variant.
Genome position (GRCh38, 1-based): chr12:57,764,867, C>T on the plus strand (G>A on the coding strand, the complement: CYP27B1 is on the minus strand). VCF-style: chr12-57764867-C-T. GRCh37 (hg19) VCF-style: chr12-58158650-C-T.
Other names: short protein forms E284K.
Identifiers: ClinVar variation 2123967 (VCV002123967.2), dbSNP rs1338661449, ClinGen allele CA385504826.
Genomic context (GRCh38, chr12:57,764,867, plus strand): 5'-CAGGCAACTCTTCCCGGAACAGGAAGTGGGTCAGGTGCGCCCCAGACTCCAGGTCCTTCT[C>T]GGGCTGTCCTCCGTTCCTCATGGCTGCCTCTGCCTCTCGCCGCTCCACGTGCCTCTGAGC-3'
Protein context (NP_000776.1, residues 274-294): EAAMRNGGQP[Glu284Lys]KDLESGAHLT

ClinVar aggregate classification (germline): Uncertain significance (1 of 4 stars; one submission).

gnomAD v4.1: 2 of 1,614,072 alleles (0.00012%); highest among the groups gnomAD compares: Non-Finnish European, 0.00017%; no homozygotes.

Submission:

Labcorp Genetics (formerly Invitae), Labcorp
Classification: Uncertain significance. Last evaluated: 2022-04-09. Review status: criteria provided, single submitter. Criteria: Invitae Variant Classification Sherloc (09022015). Collection method: clinical testing. Allele origin: germline.
Comment: This sequence change replaces glutamic acid, which is acidic and polar, with lysine, which is basic and polar, at codon 284 of the CYP27B1 protein (p.Glu284Lys). This variant is not present in population databases (gnomAD no frequency). This variant has not been reported in the literature in individuals affected with CYP27B1-related conditions. Advanced modeling of protein sequence and biophysical properties (such as structural, functional, and spatial information, amino acid conservation, physicochemical variation, residue mobility, and thermodynamic stability) performed at Invitae indicates that this missense variant is not expected to disrupt CYP27B1 protein function. In summary, the available evidence is currently insufficient to determine the role of this variant in disease. Therefore, it has been classified as a Variant of Uncertain Significance.